The following is an entry in ClinVar:

NM_005033.3(EXOSC9):c.723G>A (p.Met241Ile)

Gene: EXOSC9 (exosome component 9; plus strand). Cytogenetic location: 4q27.
Variant type: single nucleotide variant.
Coding change: c.723G>A on transcript NM_005033.3 (MANE Select); coding-DNA position 723, G replaced by A.
Protein change: p.Met241Ile; replaces methionine 241 with isoleucine.
Molecular consequence: missense variant.
Genome position (GRCh38, 1-based): chr4:121,810,084, G>A. VCF-style: chr4-121810084-G-A. GRCh37 (hg19) VCF-style: chr4-122731239-G-A.
Other names: c.723G>A, p.Met241Ile (NM_001034194.2); c.723G>A (NM_001034194.1); short protein forms M241I.
Identifiers: ClinVar variation 1900480 (VCV001900480.3), dbSNP rs769082818, ClinGen allele CA3063499.

ClinVar aggregate classification (germline): Uncertain significance. Review status: criteria provided, multiple submitters, no conflicts (2 of 4 stars). 2 submissions from 2 submitters: Uncertain significance (2). Last evaluated 2024-09-26.

Conditions:
Inborn genetic diseases. Identifiers: MedGen C0950123, MeSH D030342.

Allele frequency attached by ClinVar (database versions not stated): gnomAD exomes below 0.00001; ExAC 0.00001; TOPMed 0.00003.
gnomAD v4.1: 4 of 1,613,688 alleles (0.00025%); highest among the groups gnomAD compares: Admixed American, 0.0017%; no homozygotes.

Submissions (2):

Ambry Genetics
Classification: Uncertain significance for Inborn genetic diseases. Last evaluated: 2024-09-26. Review status: criteria provided, single submitter. Criteria: Ambry Variant Classification Scheme 2023. Collection method: clinical testing. Allele origin: germline.

Labcorp Genetics (formerly Invitae), Labcorp
Classification: Uncertain significance. Last evaluated: 2022-08-21. Review status: criteria provided, single submitter. Criteria: Invitae Variant Classification Sherloc (09022015). Collection method: clinical testing. Allele origin: germline.
Comment: This sequence change replaces methionine, which is neutral and non-polar, with isoleucine, which is neutral and non-polar, at codon 241 of the EXOSC9 protein (p.Met241Ile). This variant is present in population databases (rs769082818, gnomAD 0.003%). This variant has not been reported in the literature in individuals affected with EXOSC9-related conditions. Algorithms developed to predict the effect of missense changes on protein structure and function are either unavailable or do not agree on the potential impact of this missense change (SIFT: "Deleterious"; PolyPhen-2: "Benign"; Align-GVGD: "Class C0"). In summary, the available evidence is currently insufficient to determine the role of this variant in disease. Therefore, it has been classified as a Variant of Uncertain Significance.